The following is an entry in ClinVar:

NM_001613.4(ACTA2):c.76G>C (p.Asp26His)

Gene: ACTA2 (actin alpha 2, smooth muscle; minus strand). Cytogenetic location: 10q23.31.
Variant type: single nucleotide variant.
Coding change: c.76G>C on transcript NM_001613.4 (MANE Select); coding-DNA position 76, G replaced by C.
Protein change: p.Asp26His; replaces aspartic acid 26 with histidine.
Molecular consequence: missense variant.
Genome position (GRCh38, 1-based): chr10:88,948,855, C>G on the plus strand (G>C on the coding strand, the complement: ACTA2 is on the minus strand). VCF-style: chr10-88948855-C-G. GRCh37 (hg19) VCF-style: chr10-90708612-C-G.
Other names: c.76G>C, p.Asp26His (NM_001141945.3, NM_001320855.2, NM_001406462.1 and 7 more transcripts); short protein forms D26H.
Identifiers: ClinVar variation 927995 (VCV000927995.15), dbSNP rs1438979811, ClinGen allele CA377513692.

ClinVar aggregate classification (germline): Uncertain significance. Review status: criteria provided, multiple submitters, no conflicts (2 of 4 stars). 3 submissions from 3 submitters: Uncertain significance (3). Last evaluated 2026-01-11.

Conditions:
Aortic aneurysm, familial thoracic 6 (AAT6). Also called: FAMILIAL THORACIC AORTIC ANEURYSM WITH LIVEDO RETICULARIS AND IRIS FLOCCULI. Identifiers: MedGen C2673186, MONDO:0012730, OMIM 611788.
Familial thoracic aortic aneurysm and aortic dissection (TAAD). Also called: Thoracic aortic aneurysms and dissections. Identifiers: Orphanet 91387, MedGen C4707243, MONDO:0019625.

Allele frequency attached by ClinVar (database versions not stated): gnomAD exomes below 0.00001; TOPMed 0.00001.
gnomAD v4.1: 1 of 1,613,976 alleles (0.000062%); highest among the groups gnomAD compares: Admixed American, 0.0017%; no homozygotes.

Submissions (3):

Labcorp Genetics (formerly Invitae), Labcorp
Classification: Uncertain significance for Aortic aneurysm, familial thoracic 6. Last evaluated: 2026-01-11. Review status: criteria provided, single submitter. Criteria: Invitae Variant Classification Sherloc (09022015). Collection method: clinical testing. Allele origin: germline.
Comment: This sequence change replaces aspartic acid, which is acidic and polar, with histidine, which is basic and polar, at codon 26 of the ACTA2 protein (p.Asp26His). This variant is present in population databases (no rsID available, gnomAD no frequency). This variant has not been reported in the literature in individuals affected with ACTA2-related conditions. ClinVar contains an entry for this variant (Variation ID: 927995). Invitae Evidence Modeling of protein sequence and biophysical properties (such as structural, functional, and spatial information, amino acid conservation, physicochemical variation, residue mobility, and thermodynamic stability) indicates that this missense variant is not expected to disrupt ACTA2 protein function with a negative predictive value of 80%. In summary, the available evidence is currently insufficient to determine the role of this variant in disease. Therefore, it has been classified as a Variant of Uncertain Significance.

All of Us Research Program, National Institutes of Health
Classification: Uncertain significance for Familial thoracic aortic aneurysm and aortic dissection. Last evaluated: 2024-08-23. Review status: criteria provided, single submitter. Criteria: ACMG Guidelines, 2015. Collection method: clinical testing. Allele origin: germline. Inheritance: Autosomal dominant inheritance. Observed: 1 variant allele, 1 heterozygote.
Comment: This missense variant replaces aspartic acid with histidine at codon 26 of the ACTA2 protein. Computational prediction tools and conservation analyses suggest that this variant may have deleterious impact on protein structure and function. Splice site prediction tools suggest that this variant may not impact RNA splicing. To our knowledge, functional studies have not been performed for this variant. This variant has not been reported in individuals affected with cardiovascular disorders in the literature. This variant has been identified in 1/251082 chromosomes in the general population by the Genome Aggregation Database (gnomAD). The available evidence is insufficient to determine the role of this variant in disease conclusively. Therefore, this variant is classified as a Variant of Uncertain Significance.

This study involves interpretation of variants in research participants for the purpose of population health screening. Participant phenotype was not available at the time of variant classification. Additional details can be found in publication PMID: 35346344, PMCID: PMC8962531

Color Diagnostics, LLC DBA Color Health
Classification: Uncertain significance for Familial thoracic aortic aneurysm and aortic dissection. Last evaluated: 2024-03-07. Review status: criteria provided, single submitter. Criteria: ACMG Guidelines, 2015. Collection method: clinical testing. Allele origin: germline.
Comment: This variant is located in the ACTA2 protein. Computational prediction suggests that this variant may have deleterious impact on protein structure and function (internally defined REVEL score threshold >= 0.7, PMID: 27666373). To our knowledge, functional studies have not been reported for this variant. This variant has not been reported in individuals affected with ACTA2-related disorders in the literature. This variant has been identified in 1/251082 chromosomes in the general population by the Genome Aggregation Database (gnomAD). The available evidence is insufficient to determine the role of this variant in disease conclusively. Therefore, this variant is classified as a Variant of Uncertain Significance.